The following is an entry in ClinVar:

ClinVar aggregate classification (germline): Uncertain significance. Review status: criteria provided, multiple submitters, no conflicts (2 of 4 stars). 2 submissions from 2 submitters: Uncertain significance (2). Last evaluated 2025-08-01.

Conditions:
Inborn genetic diseases. Identifiers: MedGen C0950123, MeSH D030342.

Allele frequency attached by ClinVar (database versions not stated): gnomAD 0.00002; gnomAD exomes 0.00002 and 0.00005; TOPMed 0.00003.
gnomAD v4.1: 66 of 1,550,524 alleles (0.0043%); highest among the groups gnomAD compares: Non-Finnish European, 0.0056%; no homozygotes.

Submissions (2):

Ambry Genetics
Classification: Uncertain significance for Inborn genetic diseases. Last evaluated: 2025-08-01. Review status: criteria provided, single submitter. Criteria: Ambry Variant Classification Scheme 2023. Collection method: clinical testing. Allele origin: germline.

GeneDx
Classification: Uncertain significance. Last evaluated: 2021-05-26. Review status: criteria provided, single submitter. Criteria: GeneDx Variant Classification Process June 2021. Collection method: clinical testing. Allele origin: germline. Affected: yes.
Comment: Not observed at significant frequency in large population cohorts (Lek et al., 2016); In silico analysis supports that this missense variant has a deleterious effect on protein structure/function; Has not been previously published as pathogenic or benign to our knowledge

NM_001163809.2(WDR81):c.796C>T (p.Arg266Cys)

Gene: WDR81 (WD repeat domain 81; plus strand). Cytogenetic location: 17p13.3.
Variant type: single nucleotide variant.
Coding change: c.796C>T on transcript NM_001163809.2 (MANE Select); coding-DNA position 796, C replaced by T.
Protein change: p.Arg266Cys; replaces arginine 266 with cysteine.
Molecular consequence: missense variant. On other transcripts: intron variant (3).
Genome position (GRCh38, 1-based): chr17:1,725,755, C>T. VCF-style: chr17-1725755-C-T. GRCh37 (hg19) VCF-style: chr17-1629049-C-T.
Other names: c.-123-2235C>T (NM_152348.4); c.59-4625C>T (NM_001163673.2); c.-15+969C>T (NM_001163811.2); short protein forms R266C.
Identifiers: ClinVar variation 1326695 (VCV001326695.3), dbSNP rs764282948, ClinGen allele CA286868483.